The following is an entry in ClinVar:

ClinVar aggregate classification (germline): Uncertain significance. Review status: criteria provided, multiple submitters, no conflicts (2 of 4 stars). 2 submissions from 2 submitters: Uncertain significance (2). Last evaluated 2025-02-25.

Conditions:
Hereditary cancer-predisposing syndrome. Also called: Tumor predisposition; Neoplastic Syndromes, Hereditary; Hereditary neoplastic syndrome; Hereditary Cancer Syndrome. Identifiers: Orphanet 140162, MedGen C0027672, MeSH D009386, MONDO:0015356.
EGFR-related lung cancer (EGFR). Identifiers: MedGen CN130014.

Allele frequency attached by ClinVar (database versions not stated): TOPMed below 0.00001.
gnomAD v4.1: 11 of 1,614,084 alleles (0.00068%); highest among the groups gnomAD compares: Middle Eastern, 0.016%; no homozygotes.

Submissions (2):

Ambry Genetics
Classification: Uncertain significance for Hereditary cancer-predisposing syndrome. Last evaluated: 2025-02-25. Review status: criteria provided, single submitter. Criteria: Ambry Variant Classification Scheme 2023. Collection method: clinical testing. Allele origin: germline.
Comment: The p.E922K variant (also known as c.2764G>A), located in coding exon 23 of the EGFR gene, results from a G to A substitution at nucleotide position 2764. The glutamic acid at codon 922 is replaced by lysine, an amino acid with similar properties. This amino acid position is not well conserved in available vertebrate species. In addition, the in silico prediction for this alteration is inconclusive. Based on the available evidence, the clinical significance of this variant remains unclear.

Labcorp Genetics (formerly Invitae), Labcorp
Classification: Uncertain significance for EGFR-related lung cancer. Last evaluated: 2024-12-08. Review status: criteria provided, single submitter. Criteria: Invitae Variant Classification Sherloc (09022015). Collection method: clinical testing. Allele origin: germline.
Comment: This sequence change replaces glutamic acid, which is acidic and polar, with lysine, which is basic and polar, at codon 922 of the EGFR protein (p.Glu922Lys). This variant is present in population databases (no rsID available, gnomAD 0.007%). This variant has not been reported in the literature in individuals affected with EGFR-related conditions. ClinVar contains an entry for this variant (Variation ID: 850567). Invitae Evidence Modeling of protein sequence and biophysical properties (such as structural, functional, and spatial information, amino acid conservation, physicochemical variation, residue mobility, and thermodynamic stability) indicates that this missense variant is not expected to disrupt EGFR protein function with a negative predictive value of 80%. In summary, the available evidence is currently insufficient to determine the role of this variant in disease. Therefore, it has been classified as a Variant of Uncertain Significance.

NM_005228.5(EGFR):c.2764G>A (p.Glu922Lys)

Gene: EGFR (epidermal growth factor receptor; plus strand). Cytogenetic location: 7p11.2.
Variant type: single nucleotide variant.
Coding change: c.2764G>A on transcript NM_005228.5 (MANE Select); coding-DNA position 2764, G replaced by A.
Protein change: p.Glu922Lys; replaces glutamic acid 922 with lysine.
Molecular consequence: missense variant.
Genome position (GRCh38, 1-based): chr7:55,198,779, G>A. VCF-style: chr7-55198779-G-A. GRCh37 (hg19) VCF-style: chr7-55266472-G-A.
Other names: c.2629G>A, p.Glu877Lys (NM_001346897.2, NM_001346899.2); c.2764G>A, p.Glu922Lys (NM_001346898.2); c.2605G>A, p.Glu869Lys (NM_001346900.2); c.1963G>A, p.Glu655Lys (NM_001346941.2); short protein forms E655K, E922K, E869K, E877K.
Identifiers: ClinVar variation 850567 (VCV000850567.7), dbSNP rs961150162, ClinGen allele CA158936921.